The following is an entry in ClinVar:

NM_000059.4(BRCA2):c.5395G>A (p.Ala1799Thr)

Gene: BRCA2 (BRCA2 DNA repair associated; plus strand). Cytogenetic location: 13q13.1.
Variant type: single nucleotide variant.
Coding change: c.5395G>A on transcript NM_000059.4 (MANE Select); coding-DNA position 5395, G replaced by A.
Protein change: p.Ala1799Thr; replaces alanine 1799 with threonine.
Molecular consequence: missense variant.
Genome position (GRCh38, 1-based): chr13:32,339,750, G>A. VCF-style: chr13-32339750-G-A. GRCh37 (hg19) VCF-style: chr13-32913887-G-A.
Other names: short protein forms A1799T.
Identifiers: ClinVar variation 1423126 (VCV001423126.9), dbSNP rs2137517102, ClinGen allele CA387785289.

ClinVar aggregate classification (germline): Conflicting classifications of pathogenicity. Review status: criteria provided, conflicting classifications (1 of 4 stars). 3 submissions from 3 submitters: Uncertain significance (1); Likely benign (2). Last evaluated 2023-03-23.

Conditions:
Hereditary cancer-predisposing syndrome. Also called: Neoplastic Syndromes, Hereditary; Hereditary Cancer Syndrome; Hereditary neoplastic syndrome; Tumor predisposition. Identifiers: Orphanet 140162, MedGen C0027672, MeSH D009386, MONDO:0015356.
Hereditary breast ovarian cancer syndrome. Also called: Hereditary breast and/or ovarian cancer syndrome; BRCA1- and BRCA2-Associated Hereditary Breast and Ovarian Cancer; Hereditary breast and ovarian cancer syndrome; Hereditary breast and ovarian cancer; Hereditary breast and ovarian cancer syndrome (HBOC); Breast and ovarian cancer. Identifiers: Orphanet 145, MedGen C0677776, MeSH D061325, MONDO:0003582. Disease mechanism: loss of function.

Allele frequency attached by ClinVar (database versions not stated): gnomAD exomes below 0.00001.
gnomAD v4.1: 1 of 1,613,864 alleles (0.000062%); highest among the groups gnomAD compares: Non-Finnish European, 0.000085%; no homozygotes.

Submissions (3):

University of Washington Department of Laboratory Medicine, University of Washington
Classification: Likely benign for Hereditary cancer-predisposing syndrome. Last evaluated: 2023-03-23. Review status: criteria provided, single submitter. Criteria: Dines et al. (Genet Med. 2020). Collection method: curation. Allele origin: germline.
Comment: Missense variant in a coldspot region where missense variants are very unlikely to be pathogenic (PMID:31911673).

BRCA2 exon 11 coldspot. Reclassification based on statistical prior probability.

Labcorp Genetics (formerly Invitae), Labcorp
Classification: Uncertain significance for Hereditary breast ovarian cancer syndrome. Last evaluated: 2022-08-21. Review status: criteria provided, single submitter. Criteria: Invitae Variant Classification Sherloc (09022015). Collection method: clinical testing. Allele origin: germline.
Comment: Advanced modeling of protein sequence and biophysical properties (such as structural, functional, and spatial information, amino acid conservation, physicochemical variation, residue mobility, and thermodynamic stability) performed at Invitae indicates that this missense variant is not expected to disrupt BRCA2 protein function. In summary, the available evidence is currently insufficient to determine the role of this variant in disease. Therefore, it has been classified as a Variant of Uncertain Significance. ClinVar contains an entry for this variant (Variation ID: 1423126). This variant has not been reported in the literature in individuals affected with BRCA2-related conditions. This variant is not present in population databases (gnomAD no frequency). This sequence change replaces alanine, which is neutral and non-polar, with threonine, which is neutral and polar, at codon 1799 of the BRCA2 protein (p.Ala1799Thr).

Ambry Genetics
Classification: Likely benign for Hereditary cancer-predisposing syndrome. Last evaluated: 2022-05-31. Review status: criteria provided, single submitter. Criteria: Ambry Variant Classification Scheme 2023. Collection method: clinical testing. Allele origin: germline.